The following is an entry in ClinVar:

NM_000632.4(ITGAM):c.1886G>T (p.Arg629Met)

Gene: ITGAM (integrin subunit alpha M; plus strand). Cytogenetic location: 16p11.2.
Variant type: single nucleotide variant.
Coding change: c.1886G>T on transcript NM_000632.4 (MANE Select); coding-DNA position 1886, G replaced by T.
Protein change: p.Arg629Met; replaces arginine 629 with methionine.
Molecular consequence: missense variant.
Genome position (GRCh38, 1-based): chr16:31,321,511, G>T. VCF-style: chr16-31321511-G-T. GRCh37 (hg19) VCF-style: chr16-31332832-G-T.
Other names: c.1889G>T, p.Arg630Met (NM_001145808.2); short protein forms R629M, R630M.
Identifiers: ClinVar variation 3693370 (VCV003693370.2).

ClinVar aggregate classification (germline): Uncertain significance (1 of 4 stars; one submission).

Submission:

Labcorp Genetics (formerly Invitae), Labcorp
Classification: Uncertain significance. Last evaluated: 2024-01-26. Review status: criteria provided, single submitter. Criteria: Invitae Variant Classification Sherloc (09022015). Collection method: clinical testing. Allele origin: germline.
Comment: This sequence change replaces arginine, which is basic and polar, with methionine, which is neutral and non-polar, at codon 629 of the ITGAM protein (p.Arg629Met). This variant is not present in population databases (gnomAD no frequency). This variant has not been reported in the literature in individuals affected with ITGAM-related conditions. An algorithm developed to predict the effect of missense changes on protein structure and function (PolyPhen-2) suggests that this variant is likely to be disruptive. In summary, the available evidence is currently insufficient to determine the role of this variant in disease. Therefore, it has been classified as a Variant of Uncertain Significance.